The following is an entry in ClinVar:

ClinVar aggregate classification (germline): Uncertain significance (1 of 4 stars; one submission).

Conditions:
Mucolipidosis type IV (ML4). Also called: ML IV. Identifiers: Orphanet 578, MedGen C0238286, MONDO:0009653, OMIM 252650.

gnomAD v4.1: 5 of 1,613,508 alleles (0.00031%); highest among the groups gnomAD compares: Admixed American, 0.0033%; no homozygotes.

Submission:

Labcorp Genetics (formerly Invitae), Labcorp
Classification: Uncertain significance for Mucolipidosis type IV. Last evaluated: 2024-02-24. Review status: criteria provided, single submitter. Criteria: Invitae Variant Classification Sherloc (09022015). Collection method: clinical testing. Allele origin: germline.
Comment: This sequence change replaces glycine, which is neutral and non-polar, with arginine, which is basic and polar, at codon 568 of the MCOLN1 protein (p.Gly568Arg). This variant is present in population databases (no rsID available, gnomAD 0.009%). This variant has not been reported in the literature in individuals affected with MCOLN1-related conditions. ClinVar contains an entry for this variant (Variation ID: 1907865). Advanced modeling of protein sequence and biophysical properties (such as structural, functional, and spatial information, amino acid conservation, physicochemical variation, residue mobility, and thermodynamic stability) has been performed at Invitae for this missense variant, however the output from this modeling did not meet the statistical confidence thresholds required to predict the impact of this variant on MCOLN1 protein function. In summary, the available evidence is currently insufficient to determine the role of this variant in disease. Therefore, it has been classified as a Variant of Uncertain Significance.

NM_020533.3(MCOLN1):c.1702G>A (p.Gly568Arg)

Gene: MCOLN1 (mucolipin TRP cation channel 1; plus strand). Cytogenetic location: 19p13.2.
Variant type: single nucleotide variant.
Coding change: c.1702G>A on transcript NM_020533.3 (MANE Select); coding-DNA position 1702, G replaced by A.
Protein change: p.Gly568Arg; replaces glycine 568 with arginine.
Molecular consequence: missense variant.
Genome position (GRCh38, 1-based): chr19:7,533,649, G>A. VCF-style: chr19-7533649-G-A. GRCh37 (hg19) VCF-style: chr19-7598535-G-A.
Other names: short protein forms G568R.
Identifiers: ClinVar variation 1907865 (VCV001907865.4), dbSNP rs1284477464, ClinGen allele CA403091881.